The following is an entry in ClinVar:

NM_014633.5(CTR9):c.2853G>C (p.Glu951Asp)

Gene: CTR9 (CTR9 component of Paf1/RNA polymerase II complex; plus strand). Cytogenetic location: 11p15.4.
Variant type: single nucleotide variant.
Coding change: c.2853G>C on transcript NM_014633.5 (MANE Select); coding-DNA position 2853, G replaced by C.
Protein change: p.Glu951Asp; replaces glutamic acid 951 with aspartic acid.
Molecular consequence: missense variant.
Genome position (GRCh38, 1-based): chr11:10,774,137, G>C. VCF-style: chr11-10774137-G-C. GRCh37 (hg19) VCF-style: chr11-10795684-G-C.
Other names: c.2853G>C (NM_014633.4); c.2781G>C, p.Glu927Asp (NM_001346279.2); short protein forms E927D, E951D.
Identifiers: ClinVar variation 1169846 (VCV001169846.10), dbSNP rs568774868, ClinGen allele CA5885427.

ClinVar aggregate classification (germline): Benign/Likely benign. Review status: criteria provided, multiple submitters, no conflicts (2 of 4 stars). 2 submissions from 2 submitters: Benign (1); Likely benign (1). Last evaluated 2025-08-25.

Conditions:
CTR9-related disorder. Also called: CTR9-related condition.

Allele frequency attached by ClinVar (database versions not stated): gnomAD 0.00002 and 0.00011; TOPMed 0.00002; 1000 Genomes Project 0.00040; gnomAD exomes 0.00048; ExAC 0.00052; 1000 Genomes Project 30x 0.00062.
gnomAD v4.1: 344 of 1,603,634 alleles (0.021%); highest among the groups gnomAD compares: South Asian, 0.36%; 7 homozygotes.

Submissions (2):

Labcorp Genetics (formerly Invitae), Labcorp
Classification: Benign. Last evaluated: 2025-08-25. Review status: criteria provided, single submitter. Criteria: Invitae Variant Classification Sherloc (09022015). Collection method: clinical testing. Allele origin: germline.

PreventionGenetics, part of Exact Sciences
Classification: Likely benign for CTR9-related condition. Last evaluated: 2025-06-03. Review status: criteria provided, single submitter. Criteria: ACMG Guidelines, 2015. Collection method: clinical testing. Allele origin: germline.
Comment: This variant is classified as likely benign based on ACMG/AMP sequence variant interpretation guidelines (Richards et al. 2015 PMID: 25741868, with internal and published modifications).